The following is an entry in ClinVar:

NM_006015.6(ARID1A):c.518A>T (p.His173Leu)

Gene: ARID1A (AT-rich interaction domain 1A; plus strand). Cytogenetic location: 1p36.11.
Variant type: single nucleotide variant.
Coding change: c.518A>T on transcript NM_006015.6 (MANE Select); coding-DNA position 518, A replaced by T.
Protein change: p.His173Leu; replaces histidine 173 with leucine.
Molecular consequence: missense variant.
Genome position (GRCh38, 1-based): chr1:26,696,921, A>T. VCF-style: chr1-26696921-A-T. GRCh37 (hg19) VCF-style: chr1-27023412-A-T.
Other names: c.518A>T, p.His173Leu (NM_139135.4); short protein forms H173L.
Identifiers: ClinVar variation 4281767 (VCV004281767.1).

ClinVar aggregate classification (germline): Uncertain significance (1 of 4 stars; one submission).

Submission:

GeneDx
Classification: Uncertain significance. Last evaluated: 2025-04-07. Review status: criteria provided, single submitter. Criteria: GeneDx Variant Classification Process June 2021. Collection method: clinical testing. Allele origin: germline. Affected: yes.
Comment: Not observed at significant frequency in large population cohorts (gnomAD); In silico analysis supports that this missense variant has a deleterious effect on protein structure/function; Has not been previously published as pathogenic or benign to our knowledge